The following is an entry in ClinVar:

NM_173354.5(SIK1):c.1300G>C (p.Val434Leu)

Gene: SIK1 (salt inducible kinase 1; minus strand). Cytogenetic location: 21q22.3.
Variant type: single nucleotide variant.
Coding change: c.1300G>C on transcript NM_173354.5 (MANE Select); coding-DNA position 1300, G replaced by C.
Protein change: p.Val434Leu; replaces valine 434 with leucine.
Molecular consequence: missense variant.
Genome position (GRCh38, 1-based): chr21:43,419,183, C>G on the plus strand (G>C on the coding strand, the complement: SIK1 is on the minus strand). VCF-style: chr21-43419183-C-G. GRCh37 (hg19) VCF-style: chr21-44839063-C-G.
Other names: short protein forms V434L.
Identifiers: ClinVar variation 588258 (VCV000588258.40), dbSNP rs111780079, ClinGen allele CA321325913.
Genomic context (GRCh38, chr21:43,419,183, plus strand): 5'-GGCCCGGCCCCTGCCTGGCCTCCTCACTGATGGCTGTGTCCAGCAGGCTGCTTGGGGACA[C>G]GGGCCGGGGCCGGAACACTCCGCTGCAGCTGGCATCCACCGGGAAGAACAAGGGCTGCGT-3'
Protein context (NP_775490.2, residues 424-444): SCSGVFRPRP[Val434Leu]SPSSLLDTAI

ClinVar aggregate classification (germline): Benign/Likely benign. Review status: criteria provided, multiple submitters, no conflicts (2 of 4 stars). 4 submissions from 4 submitters: Benign (1); Likely benign (3). Last evaluated 2026-01-19.

Conditions:
Inborn genetic diseases. Identifiers: MedGen C0950123, MeSH D030342.
Developmental and epileptic encephalopathy, 30 (DEE30). Also called: Epileptic encephalopathy, early infantile, 30. Identifiers: MedGen C4225360, MONDO:0014595, OMIM 616341.

Allele frequency attached by ClinVar (database versions not stated): ESP Exome Variant Server 0.00054.

Submissions (4):

Labcorp Genetics (formerly Invitae), Labcorp
Classification: Likely benign for Developmental and epileptic encephalopathy, 30. Last evaluated: 2026-01-19. Review status: criteria provided, single submitter. Criteria: Invitae Variant Classification Sherloc (09022015). Collection method: clinical testing. Allele origin: germline.

Blueprint Genetics
Classification: Likely benign. Last evaluated: 2024-10-03. Review status: criteria provided, single submitter. Criteria: ACMG Guidelines, 2015. Collection method: clinical testing. Allele origin: germline.

Ambry Genetics
Classification: Likely benign for Inborn genetic diseases. Last evaluated: 2022-07-05. Review status: criteria provided, single submitter. Criteria: Ambry Variant Classification Scheme 2023. Collection method: clinical testing. Allele origin: germline.

CeGaT Center for Human Genetics Tuebingen
Classification: Benign. Last evaluated: 2022-04-01. Review status: criteria provided, single submitter. Criteria: CeGaT Center For Human Genetics Tuebingen Variant Classification Criteria Version 2. Collection method: clinical testing. Allele origin: germline. Affected: yes. Observed: 1 variant allele.
Comment: SIK1: BS1, BS2